The following is an entry in ClinVar:

NM_000169.3(GLA):c.945C>T (p.Asp315=)

Genes: GLA (galactosidase alpha; minus strand), RPL36A-HNRNPH2 (RPL36A-HNRNPH2 readthrough; plus strand). Cytogenetic location: Xq22.1.
Variant type: single nucleotide variant.
Coding change: c.945C>T on transcript NM_000169.3 (MANE Select); coding-DNA position 945, C replaced by T.
Protein change: p.Asp315=; no amino-acid change (aspartic acid 315 retained).
Molecular consequence: synonymous variant. On other transcripts: non-coding transcript variant (3), intron variant (2).
Genome position (GRCh38, 1-based): chrX:101,398,424, G>A on the plus strand (C>T on the coding strand, the complement: GLA is on the minus strand). VCF-style: chrX-101398424-G-A. GRCh37 (hg19) VCF-style: chrX-100653412-G-A.
Other names: p.D315D:GAC>GAT; c.945C>T (NM_000169.2); c.1068C>T, p.Asp356= (NM_001406747.1); c.945C>T, p.Asp315= (NM_001406748.1); c.300+2967G>A (NM_001199973.2); c.177+6602G>A (NM_001199974.2).
Identifiers: ClinVar variation 42465 (VCV000042465.75), dbSNP rs151208856, ClinGen allele CA022209.

ClinVar aggregate classification (germline): Conflicting classifications of pathogenicity. Review status: criteria provided, conflicting classifications (1 of 4 stars). 19 submissions from 19 submitters: Uncertain significance (1); Benign (2); Likely benign (9). 7 of the submissions do not count toward it. Last evaluated 2026-09-08.

Conditions:
GLA-related disorder. Also called: GLA-related condition.
Cardiovascular phenotype. Identifiers: MedGen CN230736.
Fabry disease. Also called: Fabry's disease; Angiokeratoma corporis diffusum; GLA DEFICIENCY; HEREDITARY DYSTOPIC LIPIDOSIS; Ceramide trihexosidosis; ALPHA-GALACTOSIDASE A DEFICIENCY. Identifiers: Orphanet 324, MedGen C0002986, MONDO:0010526, OMIM 301500, HP:0001071. Disease mechanism: loss of function, Fabry disease is due to inactivating mutations in the X-linked GLA gene resulting in deficiency of the enzyme Alpha Galactosidase-A..

Allele frequency attached by ClinVar (database versions not stated): gnomAD exomes 0.00010; TOPMed 0.00011; ExAC 0.00007; gnomAD 0.00007 and 0.00009; ESP Exome Variant Server 0.00009.
gnomAD v4.1: 311 of 1,207,797 alleles (0.026%); highest among the groups gnomAD compares: Non-Finnish European, 0.033%; no homozygotes.

Submissions (19):

Genomenon, Inc
Classification: Likely benign for Fabry disease. Last evaluated: 2026-09-08. Review status: criteria provided, single submitter. Criteria: Genomenon Sequence Variant Interpretation Standards - Updated. Collection method: curation. Allele origin: germline. Affected: no.
Comment: GLA c.945C>T is a synonymous variant that retains Aspartic acid at codon 315. This variant has been reported in the published literature (PMID:39099234). It is absent or not present at a significant frequency in gnomAD. This variant is not predicted to impact splicing. In conclusion, we classify GLA p.Asp315= (c.945C>T) as a likely benign variant.

Labcorp Genetics (formerly Invitae), Labcorp
Classification: Likely benign for Fabry disease. Last evaluated: 2026-01-13. Review status: criteria provided, single submitter. Criteria: Invitae Variant Classification Sherloc (09022015). Collection method: clinical testing. Allele origin: germline.

Molecular Diagnostic Laboratory for Inherited Cardiovascular Disease, Montreal Heart Institute
Classification: Likely benign. Last evaluated: 2025-04-09. Review status: criteria provided, single submitter. Criteria: ACMG Guidelines, 2015. Collection method: clinical testing. Allele origin: germline. Affected: no.

Blueprint Genetics
Classification: Likely benign. Last evaluated: 2024-07-31. Review status: criteria provided, single submitter. Criteria: ACMG Guidelines, 2015. Collection method: clinical testing. Allele origin: germline.

Genome-Nilou Lab
Classification: Likely benign for Fabry disease. Last evaluated: 2021-07-15. Review status: criteria provided, single submitter. Criteria: ACMG Guidelines, 2015. Collection method: clinical testing. Allele origin: germline. Affected: no.

Ambry Genetics
Classification: Benign for Cardiovascular phenotype. Last evaluated: 2021-01-19. Review status: criteria provided, single submitter. Criteria: Ambry Variant Classification Scheme 2023. Collection method: clinical testing. Allele origin: germline.

Broad Center for Mendelian Genomics, Broad Institute of MIT and Harvard
Classification: Likely benign for Fabry disease. Last evaluated: 2020-01-22. Review status: criteria provided, single submitter. Criteria: ACMG Guidelines, 2015. Collection method: curation. Allele origin: germline. Inheritance: X-linked inheritance.
Comment: The c.945C>T variant in GLA has not been previously reported in individuals with Fabry disease, but has been identified in 0.017% (16/92661) of European (non-Finnish) chromosomes, including 6 hemizygotes, and 0.014% (4/28052) of Latino chromosomes, including 1 hemizygote, by the Genome Aggregation Database (gnomAD; dbSNP rs151208856). This variant has been seen in the general population at a greater frequency than expected for Fabry disease and is consistent with a benign role. This variant has been reported in ClinVar as likely benign by the Laboratoy for Molecular Medicine, Invitae, and the University Medical Center Groningen, as benign by GeneDx, and as a VUS by Praxis fuer Humangenetik Tuebingen (Variation ID: 42465). Computational prediction tools, including splice predictors, and conservation analyses suggest that this variant may not impact the protein, though this information is not predictive enough to rule out pathogenicity. In summary, although additional studies are required to fully establish its clinical significance, this variant is likely benign. ACMG/AMP Criteria applied: BS1_supporting, BP4, BP7 (Richards 2015).

X-linked inheritance (primarily recessive with milder female expression)

Color Diagnostics, LLC DBA Color Health
Classification: Likely benign for Fabry disease. Last evaluated: 2018-10-30. Review status: criteria provided, single submitter. Criteria: ACMG Guidelines, 2015. Collection method: clinical testing. Allele origin: germline.

Women's Health and Genetics/Laboratory Corporation of America, LabCorp
Classification: Likely benign. Last evaluated: 2017-11-16. Review status: criteria provided, single submitter. Criteria: LabCorp Variant Classification Summary - May 2015. Collection method: clinical testing. Allele origin: germline.
Comment: Variant summary: The GLA c.945C>T (p.Asp315Asp) variant involves the alteration of a non-conserved nucleotide, resulting in a synonymous change. One in silico tool predicts a damaging outcome for this variant. 5/5 splice prediction tools predict no significant impact on normal splicing (1 tool predicts a decreased affinity for a cryptic donor splice site). ESE finder predicts that this variant may affect a binding site for SF2/ASF. However, these predictions have yet to be confirmed by functional studies. This variant was found in 19/200260 control chromosomes, predominantly observed in the European (Non-Finnish) subpopulation at a frequency of 0.000166 (15/90617) with 5 hemizygous occurrences, that exceeds the disease prevalence (1/50000), suggesting this is likely a benign polymorphism found primarily in the populations of European (Non-Finnish) origin. The variant of interest has not, to our knowledge, been reported in affected individuals via publications and/or reputable databases; nor evaluated for functional impact by in vivo/vitro studies. In addition, multiple clinical diagnostic laboratories classified this variant as likely benign/benign. Taken together, based mainly on the in silico predictions and the observed hemizygous occurrences this variant is classified as likely benign.

CeGaT Center for Human Genetics Tuebingen
Classification: Uncertain significance. Last evaluated: 2017-08-01. Review status: criteria provided, single submitter. Criteria: CeGaT Center For Human Genetics Tuebingen Variant Classification Criteria Version 2. Collection method: clinical testing. Allele origin: germline. Affected: yes. Observed: 1 variant allele.

Laboratory for Molecular Medicine, Mass General Brigham Personalized Medicine
Classification: Likely benign. Last evaluated: 2013-06-17. Review status: criteria provided, single submitter. Criteria: LMM Criteria. Collection method: clinical testing. Allele origin: germline. Observed: 5 variant alleles.
Comment: p.Asp315Asp in exon 6 of GLA: This variant is not expected to have clinical sign ificance because it does not alter an amino acid residue and is not located with in the splice consensus sequence. It has been identified in 0.02% (15/90617) of European chromosomes, including 5 hemizygotes, by the Genome Aggregation Databas e (gnomAD; dbSNP rs151208856).

GeneDx
Classification: Benign. Last evaluated: 2012-12-11. Review status: criteria provided, single submitter. Criteria: GeneDx Variant Classification (06012015). Collection method: clinical testing. Allele origin: germline. Affected: yes.
Comment: This variant is considered likely benign or benign based on one or more of the following criteria: it is a conservative change, it occurs at a poorly conserved position in the protein, it is predicted to be benign by multiple in silico algorithms, and/or has population frequency not consistent with disease.

Natera, Inc.
Classification: Likely benign for Fabry disease. Last evaluated: 2021-07-25. Review status: no assertion criteria provided. Collection method: clinical testing. Allele origin: germline. Not counted in ClinVar's aggregate classification.

PreventionGenetics, part of Exact Sciences
Classification: Likely benign for GLA-related condition. Last evaluated: 2020-09-17. Review status: no assertion criteria provided. Collection method: clinical testing. Allele origin: germline. Not counted in ClinVar's aggregate classification.
Comment: This variant is classified as likely benign based on ACMG/AMP sequence variant interpretation guidelines (Richards et al. 2015 PMID: 25741868, with internal and published modifications).

Clinical Genetics DNA and cytogenetics Diagnostics Lab, Erasmus MC, Erasmus Medical Center
Classification: Likely benign. Review status: no assertion criteria provided. Collection method: clinical testing. Allele origin: germline. Affected: yes. Study: VKGL Data-share Consensus. Not counted in ClinVar's aggregate classification.

Clinical Genetics, Academic Medical Center
Classification: Benign. Review status: no assertion criteria provided. Collection method: clinical testing. Allele origin: germline. Affected: yes. Study: VKGL Data-share Consensus. Not counted in ClinVar's aggregate classification.

Diagnostic Laboratory, Department of Genetics, University Medical Center Groningen
Classification: Likely benign for Fabry disease. Review status: no assertion criteria provided. Collection method: clinical testing. Allele origin: germline. Affected: yes. Study: VKGL Data-share Consensus. Not counted in ClinVar's aggregate classification.

Genome Diagnostics Laboratory, University Medical Center Utrecht
Classification: Likely benign. Review status: no assertion criteria provided. Collection method: clinical testing. Allele origin: germline. Affected: yes. Study: VKGL Data-share Consensus. Not counted in ClinVar's aggregate classification.

Joint Genome Diagnostic Labs from Nijmegen and Maastricht, Radboudumc and MUMC+
Classification: Likely benign. Review status: no assertion criteria provided. Collection method: clinical testing. Allele origin: germline. Affected: yes. Study: VKGL Data-share Consensus. Not counted in ClinVar's aggregate classification.

Literature cited by the submitters: PubMed 39099234 (cited by Genomenon, Inc).